The following is an entry in ClinVar:

ClinVar aggregate classification (germline): Uncertain significance (1 of 4 stars; one submission).

Conditions:
Joubert syndrome 21 (JBTS21). Identifiers: MedGen C3810212, MONDO:0014288, OMIM 615636.

Allele frequency attached by ClinVar (database versions not stated): ExAC 0.00001; gnomAD exomes 0.00001; TOPMed 0.00001.
gnomAD v4.1: 9 of 1,613,926 alleles (0.00056%); highest among the groups gnomAD compares: African/African-American, 0.011%; no homozygotes.

Submission:

Labcorp Genetics (formerly Invitae), Labcorp
Classification: Uncertain significance for Joubert syndrome 21. Last evaluated: 2022-08-10. Review status: criteria provided, single submitter. Criteria: Invitae Variant Classification Sherloc (09022015). Collection method: clinical testing. Allele origin: germline.
Comment: This variant is not present in population databases (gnomAD no frequency). This variant has not been reported in the literature in individuals affected with CSPP1-related conditions. ClinVar contains an entry for this variant (Variation ID: 1043000). Algorithms developed to predict the effect of missense changes on protein structure and function output the following: SIFT: "Tolerated"; PolyPhen-2: "Benign"; Align-GVGD: "Class C0". The aspartic acid amino acid residue is found in multiple mammalian species, which suggests that this missense change does not adversely affect protein function. In summary, the available evidence is currently insufficient to determine the role of this variant in disease. Therefore, it has been classified as a Variant of Uncertain Significance. This sequence change replaces glycine, which is neutral and non-polar, with aspartic acid, which is acidic and polar, at codon 263 of the CSPP1 protein (p.Gly263Asp).

NM_001382391.1(CSPP1):c.761G>A (p.Gly254Asp)

Gene: CSPP1 (centrosome and spindle pole associated protein 1; plus strand). Cytogenetic location: 8q13.1.
Variant type: single nucleotide variant.
Coding change: c.761G>A on transcript NM_001382391.1 (MANE Select); coding-DNA position 761, G replaced by A.
Protein change: p.Gly254Asp; replaces glycine 254 with aspartic acid.
Molecular consequence: missense variant. On other transcripts: 5 prime UTR variant (1).
Genome position (GRCh38, 1-based): chr8:67,095,570, G>A. VCF-style: chr8-67095570-G-A. GRCh37 (hg19) VCF-style: chr8-68007805-G-A.
Other names: c.-95G>A (NM_001291339.2); c.680G>A, p.Gly227Asp (NM_001363131.2, NM_001363133.2); c.761G>A, p.Gly254Asp (NM_001363132.2); c.869G>A, p.Gly290Asp (NM_001364869.1); c.788G>A, p.Gly263Asp (NM_001364870.1, NM_024790.7); short protein forms G254D, G290D, G263D, G227D.
Identifiers: ClinVar variation 1043000 (VCV001043000.8), dbSNP rs763959523, ClinGen allele CA4770355.